The following is an entry in ClinVar:

NM_000124.4(ERCC6):c.2307_2308insATTGT (p.Asp770fs)

Gene: ERCC6 (ERCC excision repair 6, chromatin remodeling factor; minus strand). Cytogenetic location: 10q11.23.
Variant type: Insertion.
Coding change: c.2307_2308insATTGT on transcript NM_000124.4 (MANE Select); coding-DNA positions 2307 to 2308, ATTGT inserted.
Protein change: p.Asp770fs; shifts the reading frame from aspartic acid 770.
Molecular consequence: frameshift variant.
Genome position: GRCh38 VCF-style: chr10-49476289-C-CACAAT. GRCh37 (hg19) VCF-style: chr10-50684335-C-CACAAT.
Other names: c.2307_2308insATTGT, p.Asp770fs (NM_001346440.2); short protein forms D770fs.
Identifiers: ClinVar variation 1726861 (VCV001726861.2), dbSNP rs2495990647, ClinGen allele CA2580081534.

ClinVar aggregate classification (germline): Likely pathogenic (1 of 4 stars; one submission).

Conditions:
Cockayne syndrome type 2 (CSB). Also called: COCKAYNE SYNDROME B; Cockayne Syndrome, Type II. Identifiers: Orphanet 191, Orphanet 90322, MedGen C0751038, MONDO:0019570, OMIM 133540.

Submission:

Myriad Genetics, Inc.
Classification: Likely pathogenic for Cockayne syndrome type 2. Last evaluated: 2022-01-02. Review status: criteria provided, single submitter. Criteria: Myriad Women's Health Autosomal Recessive and X-Linked Classification Criteria (2021). Collection method: clinical testing. Allele origin: unknown.
Comment: NM_000124.2(ERCC6):c.2307_2308ins5(D770Ifs*33) is expected to be pathogenic in the context of ERCC6-related disorders. This variant is predicted to lead to an abnormal or absent protein product due to the creation of a premature termination codon in ERCC6, a gene where loss-of-function variants are known to be pathogenic. Please note: this variant was assessed in the context of healthy population screening.